The following is an entry in ClinVar:

ClinVar aggregate classification (germline): Uncertain significance (1 of 4 stars; one submission).

Allele frequency attached by ClinVar (database versions not stated): gnomAD exomes below 0.00001 and 0.00001; ExAC 0.00001; TOPMed 0.00001; gnomAD 0.00003.
gnomAD v4.1: 14 of 1,614,024 alleles (0.00087%); highest among the groups gnomAD compares: Non-Finnish European, 0.001%; no homozygotes.

Submission:

Labcorp Genetics (formerly Invitae), Labcorp
Classification: Uncertain significance. Last evaluated: 2020-01-21. Review status: criteria provided, single submitter. Criteria: Invitae Variant Classification Sherloc (09022015). Collection method: clinical testing. Allele origin: germline.
Comment: This variant is present in population databases (rs748648347, ExAC 0.001%). In summary, the available evidence is currently insufficient to determine the role of this variant in disease. Therefore, it has been classified as a Variant of Uncertain Significance. Algorithms developed to predict the effect of missense changes on protein structure and function (SIFT, PolyPhen-2, Align-GVGD) all suggest that this variant is likely to be disruptive, but these predictions have not been confirmed by published functional studies and their clinical significance is uncertain. This variant has not been reported in the literature in individuals with MERTK-related conditions. This sequence change replaces isoleucine with valine at codon 759 of the MERTK protein (p.Ile759Val). The isoleucine residue is highly conserved and there is a small physicochemical difference between isoleucine and valine.

NM_006343.3(MERTK):c.2275A>G (p.Ile759Val)

Gene: MERTK (MER proto-oncogene, tyrosine kinase; plus strand). Cytogenetic location: 2q13.
Variant type: single nucleotide variant.
Coding change: c.2275A>G on transcript NM_006343.3 (MANE Select); coding-DNA position 2275, A replaced by G.
Protein change: p.Ile759Val; replaces isoleucine 759 with valine.
Molecular consequence: missense variant.
Genome position (GRCh38, 1-based): chr2:112,021,507, A>G. VCF-style: chr2-112021507-A-G. GRCh37 (hg19) VCF-style: chr2-112779084-A-G.
Other names: short protein forms I759V.
Identifiers: ClinVar variation 1053069 (VCV001053069.9), dbSNP rs748648347, ClinGen allele CA1831790.
Genomic context (GRCh38, chr2:112,021,507, plus strand): 5'-GTTGCGGACTTCGGCCTCTCTAAGAAGATTTACAGTGGCGATTATTACCGCCAAGGCCGC[A>G]TTGCTAAGATGCCTGTTAAATGGATCGCCATAGAAAGTCTTGCAGACCGAGTCTACACAA-3'
Protein context (NP_006334.2, residues 749-769): YSGDYYRQGR[Ile759Val]AKMPVKWIAI